The following is an entry in ClinVar:

ClinVar aggregate classification (germline): Uncertain significance. Review status: criteria provided, multiple submitters, no conflicts (2 of 4 stars). 4 submissions from 4 submitters: Uncertain significance (4). Last evaluated 2024-10-03.

Conditions:
Hereditary cancer-predisposing syndrome. Also called: Tumor predisposition; Neoplastic Syndromes, Hereditary; Hereditary Cancer Syndrome; Hereditary neoplastic syndrome. Identifiers: Orphanet 140162, MedGen C0027672, MeSH D009386, MONDO:0015356.
POLD1-related polyposis and colorectal cancer syndrome (CRCS10). Also called: Colorectal cancer 10; COLORECTAL CANCER, SUSCEPTIBILITY TO, ON CHROMOSOME 19q; Colorectal cancer, susceptibility to, 10. Identifiers: Orphanet 220460, MedGen C2675481, MONDO:0012953, OMIM 612591.

Submissions (4):

Ambry Genetics
Classification: Uncertain significance for Hereditary cancer-predisposing syndrome. Last evaluated: 2024-10-03. Review status: criteria provided, single submitter. Criteria: Ambry Variant Classification Scheme 2023. Collection method: clinical testing. Allele origin: germline.
Comment: The p.V477L variant (also known as c.1429G>T), located in coding exon 11 of the POLD1 gene, results from a G to T substitution at nucleotide position 1429. The valine at codon 477 is replaced by leucine, an amino acid with highly similar properties. This amino acid position is highly conserved in available vertebrate species. In addition, the in silico prediction for this alteration is inconclusive. Based on the available evidence, the clinical significance of this variant remains unclear.

Labcorp Genetics (formerly Invitae), Labcorp
Classification: Uncertain significance for POLD1-related polyposis and colorectal cancer syndrome. Last evaluated: 2023-11-11. Review status: criteria provided, single submitter. Criteria: Invitae Variant Classification Sherloc (09022015). Collection method: clinical testing. Allele origin: germline.
Comment: This sequence change replaces valine, which is neutral and non-polar, with leucine, which is neutral and non-polar, at codon 477 of the POLD1 protein (p.Val477Leu). This variant is not present in population databases (gnomAD no frequency). This variant has not been reported in the literature in individuals affected with POLD1-related conditions. ClinVar contains an entry for this variant (Variation ID: 572956). Advanced modeling of protein sequence and biophysical properties (such as structural, functional, and spatial information, amino acid conservation, physicochemical variation, residue mobility, and thermodynamic stability) has been performed at Invitae for this missense variant, however the output from this modeling did not meet the statistical confidence thresholds required to predict the impact of this variant on POLD1 protein function. In summary, the available evidence is currently insufficient to determine the role of this variant in disease. Therefore, it has been classified as a Variant of Uncertain Significance.

Baylor Genetics
Classification: Uncertain significance for POLD1-related polyposis and colorectal cancer syndrome. Last evaluated: 2023-10-27. Review status: criteria provided, single submitter. Criteria: ACMG Guidelines, 2015. Collection method: clinical testing. Allele origin: unknown.

Blueprint Genetics
Classification: Uncertain significance. Last evaluated: 2023-05-12. Review status: criteria provided, single submitter. Criteria: ACMG Guidelines, 2015. Collection method: clinical testing. Allele origin: germline.

NM_002691.4(POLD1):c.1429G>T (p.Val477Leu)

Gene: POLD1 (DNA polymerase delta 1, catalytic subunit; plus strand). Cytogenetic location: 19q13.33.
Variant type: single nucleotide variant.
Coding change: c.1429G>T on transcript NM_002691.4 (MANE Select); coding-DNA position 1429, G replaced by T.
Protein change: p.Val477Leu; replaces valine 477 with leucine.
Molecular consequence: missense variant. On other transcripts: non-coding transcript variant (1).
Genome position (GRCh38, 1-based): chr19:50,406,452, G>T. VCF-style: chr19-50406452-G-T. GRCh37 (hg19) VCF-style: chr19-50909709-G-T.
Other names: c.1429G>T, p.Val477Leu (NM_001256849.1, NM_001308632.1); short protein forms V477L.
Identifiers: ClinVar variation 572956 (VCV000572956.14), dbSNP rs766881510, ClinGen allele CA406980150.